The following is an entry in ClinVar:

NM_000447.3(PSEN2):c.*405G>T

Gene: PSEN2 (presenilin 2; plus strand). Cytogenetic location: 1q42.13.
Variant type: single nucleotide variant.
Coding change: c.*405G>T on transcript NM_000447.3 (MANE Select); 405 bases downstream of the stop codon, G replaced by T.
Molecular consequence: 3 prime UTR variant.
Genome position (GRCh38, 1-based): chr1:226,895,984, G>T. VCF-style: chr1-226895984-G-T. GRCh37 (hg19) VCF-style: chr1-227083685-G-T.
Other names: c.*405G>T (NM_012486.3).
Identifiers: ClinVar variation 296004 (VCV000296004.5), dbSNP rs116807339, ClinGen allele CA10609257.
Genomic context (GRCh38, chr1:226,895,984, plus strand): 5'-GCTCTGGCTGGAGAGGAAAAGCCAGTTCCCTACGAGGAGTGTTCCCAATGCTTTGTCCAT[G>T]ATGTCCTTGTTATTTTATTGCCTTTAGAAACTGAGTCCTGTTCTTGTTACGGCAGTCACA-3'

ClinVar aggregate classification (germline): Benign/Likely benign. Review status: criteria provided, single submitter (1 of 4 stars). 2 submissions from 1 submitter: Benign (1); Likely benign (1). Last evaluated 2018-01-12.

Conditions:
Dilated cardiomyopathy 1V (CMD1V). Identifiers: Orphanet 154, MedGen C3150958, MONDO:0013373, OMIM 613697.
Alzheimer disease 4 (AD4). Identifiers: Orphanet 1020, MedGen C1847200, MONDO:0011743, OMIM 606889.

Allele frequency attached by ClinVar (database versions not stated): gnomAD exomes 0.00073; 1000 Genomes Project 0.00439; gnomAD 0.00482 and 0.00524; 1000 Genomes Project 30x 0.00547; TOPMed 0.00579.
gnomAD v4.1: 830 of 284,844 alleles (0.29%); highest among the groups gnomAD compares: African/African-American, 1.6%; 4 homozygotes.

Submissions (2):

Illumina Laboratory Services, Illumina
Classification: Benign for Alzheimer disease 4. Last evaluated: 2018-01-12. Review status: criteria provided, single submitter. Criteria: ICSL Variant Classification Criteria 13 December 2019. Collection method: clinical testing. Allele origin: germline.
Comment: This variant was observed in the ICSL laboratory as part of a predisposition screen in an ostensibly healthy population. It had not been previously curated by ICSL or reported in the Human Gene Mutation Database (HGMD: prior to June 1st, 2018), and was therefore a candidate for classification through an automated scoring system. Utilizing variant allele frequency, disease prevalence and penetrance estimates, and inheritance mode, an automated score was calculated to assess if this variant is too frequent to cause the disease. Based on the score and internal cut-off values, a variant classified as benign is not then subjected to further curation. The score for this variant resulted in a classification of benign for this disease.

Illumina Laboratory Services, Illumina
Classification: Likely benign for Dilated cardiomyopathy 1V. Last evaluated: 2018-01-12. Review status: criteria provided, single submitter. Criteria: ICSL Variant Classification Criteria 13 December 2019. Collection method: clinical testing. Allele origin: germline.
Comment: This variant was observed in the ICSL laboratory as part of a predisposition screen in an ostensibly healthy population. It had not been previously curated by ICSL or reported in the Human Gene Mutation Database (HGMD: prior to June 1st, 2018), and was therefore a candidate for classification through an automated scoring system. Utilizing variant allele frequency, disease prevalence and penetrance estimates, and inheritance mode, an automated score was calculated to assess if this variant is too frequent to cause the disease. Based on the score and internal cut-off values, a variant classified as likely benign is not then subjected to further curation. The score for this variant resulted in a classification of likely benign for this disease.